The following is an entry in ClinVar:

NM_001267550.2(TTN):c.73213G>A (p.Glu24405Lys)

Genes: TTN-AS1 (TTN antisense RNA 1; plus strand), TTN (titin; minus strand). Cytogenetic location: 2q31.2.
Variant type: single nucleotide variant.
Coding change: c.73213G>A on transcript NM_001267550.2 (MANE Select); coding-DNA position 73213, G replaced by A.
Protein change: p.Glu24405Lys; replaces glutamic acid 24405 with lysine.
Molecular consequence: missense variant.
Genome position (GRCh38, 1-based): chr2:178,572,919, C>T on the plus strand (G>A on the coding strand, the complement: TTN is on the minus strand). VCF-style: chr2-178572919-C-T. GRCh37 (hg19) VCF-style: chr2-179437646-C-T.
Other names: c.68290G>A, p.Glu22764Lys (NM_001256850.1); c.46018G>A, p.Glu15340Lys (NM_003319.4); c.65509G>A, p.Glu21837Lys (NM_133378.4); c.46393G>A, p.Glu15465Lys (NM_133432.3); c.46594G>A, p.Glu15532Lys (NM_133437.4); short protein forms E15340K, E15465K, E15532K, E21837K, E22764K, E24405K.
Identifiers: ClinVar variation 1098791 (VCV001098791.9), dbSNP rs764485436, ClinGen allele CA1990404.

ClinVar aggregate classification (germline): Conflicting classifications of pathogenicity. Review status: criteria provided, conflicting classifications (1 of 4 stars). 5 submissions from 5 submitters: Uncertain significance (4); Likely benign (1). Last evaluated 2021-05-10.

Conditions:
Dilated cardiomyopathy 1G (CMD1G). Identifiers: Orphanet 154, MedGen C1858763, MONDO:0011400, OMIM 604145.
Tibial muscular dystrophy (TMD). Also called: Tibial muscular dystrophy, tardive; UDD MYOPATHY; Udd Distal Myopathy – Tibial Muscular Dystrophy. Identifiers: Orphanet 609, MedGen C1838244, MONDO:0010870, OMIM 600334.
Hypertrophic cardiomyopathy 9. Also called: Familial hypertrophic cardiomyopathy 9. Identifiers: MedGen C1861065, MONDO:0013412, OMIM 613765.
Autosomal recessive limb-girdle muscular dystrophy type 2J (LGMDR10). Also called: Limb-girdle muscular dystrophy, type 2J; MUSCULAR DYSTROPHY, LIMB-GIRDLE, AUTOSOMAL RECESSIVE 10. Identifiers: Orphanet 140922, MedGen C1837342, MONDO:0012127, OMIM 608807.
Myopathy, myofibrillar, 9, with early respiratory failure (MFM9). Also called: Hereditary myopathy with early respiratory failure; Myopathy, distal, with early respiratory failure, autosomal dominant; EDSTROM MYOPATHY; MYOPATHY, PROXIMAL, WITH EARLY RESPIRATORY MUSCLE INVOLVEMENT. Identifiers: Orphanet 178464, Orphanet 34521, MedGen C1863599, MONDO:0011362, OMIM 603689.
Early-onset myopathy with fatal cardiomyopathy (CMYO5). Also called: Salih Myopathy; CONGENITAL MYOPATHY 5 WITH CARDIOMYOPATHY. Identifiers: Orphanet 289377, MedGen C2673677, MONDO:0012714, OMIM 611705. Disease mechanism: loss of function.
Cardiovascular phenotype. Identifiers: MedGen CN230736.

Allele frequency attached by ClinVar (database versions not stated): gnomAD exomes 0.00003 and 0.00001; ExAC 0.00001; TOPMed 0.00002.
gnomAD v4.1: 15 of 1,613,308 alleles (0.00093%); highest among the groups gnomAD compares: East Asian, 0.009%; no homozygotes.

Submissions (5):

Women's Health and Genetics/Laboratory Corporation of America, LabCorp
Classification: Uncertain significance. Last evaluated: 2021-05-10. Review status: criteria provided, single submitter. Criteria: LabCorp Variant Classification Summary - May 2015. Collection method: clinical testing. Allele origin: germline.
Comment: Variant summary: TTN c.65509G>A (p.Glu21837Lys) results in a conservative amino acid change located in the A-band region of the encoded protein sequence. Three of five in-silico tools predict a benign effect of the variant on protein function. The variant allele was found at a frequency of 3.2e-05 in 247782 control chromosomes. The available data on variant occurrences in the general population are insufficient to allow any conclusion about variant significance. To our knowledge, no occurrence of c.65509G>A in individuals affected with Dilated Cardiomyopathy and no experimental evidence demonstrating its impact on protein function have been reported. No clinical diagnostic laboratories have submitted clinical-significance assessments for this variant to ClinVar after 2014. Based on the evidence outlined above, the variant was classified as uncertain significance.

Revvity Omics, Revvity
Classification: Uncertain significance. Last evaluated: 2021-04-29. Review status: criteria provided, single submitter. Criteria: ACMG Guidelines, 2015. Collection method: clinical testing. Allele origin: germline.

Blueprint Genetics
Classification: Likely benign. Last evaluated: 2020-02-11. Review status: criteria provided, single submitter. Criteria: ACMG Guidelines, 2015. Collection method: clinical testing. Allele origin: germline.

Ambry Genetics
Classification: Uncertain significance for Cardiovascular phenotype. Last evaluated: 2019-10-08. Review status: criteria provided, single submitter. Criteria: Ambry Variant Classification Scheme 2023. Collection method: clinical testing. Allele origin: germline.
Comment: The p.E15340K variant (also known as c.46018G>A), located in coding exon 153 of the TTN gene, results from a G to A substitution at nucleotide position 46018. The glutamic acid at codon 15340 is replaced by lysine, an amino acid with similar properties. This amino acid position is highly conserved in available vertebrate species. In addition, the in silico prediction for this alteration is inconclusive. Since supporting evidence is limited at this time, the clinical significance of this alteration remains unclear.

Juno Genomics, Hangzhou Juno Genomics, Inc
Classification: Uncertain significance for Early-onset myopathy with fatal cardiomyopathy; Dilated cardiomyopathy 1G; Hypertrophic cardiomyopathy 9; Autosomal recessive limb-girdle muscular dystrophy type 2J; Myopathy, myofibrillar, 9, with early respiratory failure; Tibial muscular dystrophy. Review status: criteria provided, single submitter. Criteria: ACMG Guidelines, 2015. Collection method: clinical testing. Allele origin: germline.
Comment: Absent from controls (or at extremely low frequency if recessive) in Genome Aggregation Database.;Missense variant in a gene that has a low rate of benign missense variation.